The following is an entry in ClinVar:

ClinVar aggregate classification (germline): Uncertain significance (1 of 4 stars; one submission).

Allele frequency attached by ClinVar (database versions not stated): TOPMed below 0.00001; gnomAD 0.00001; gnomAD exomes 0.00001; ExAC 0.00002.
gnomAD v4.1: 9 of 1,612,712 alleles (0.00056%); highest among the groups gnomAD compares: Non-Finnish European, 0.00076%; no homozygotes.

Submission:

Labcorp Genetics (formerly Invitae), Labcorp
Classification: Uncertain significance. Last evaluated: 2023-04-07. Review status: criteria provided, single submitter. Criteria: Invitae Variant Classification Sherloc (09022015). Collection method: clinical testing. Allele origin: germline.
Comment: This sequence change replaces aspartic acid, which is acidic and polar, with glycine, which is neutral and non-polar, at codon 51 of the CD81 protein (p.Asp51Gly). This variant is present in population databases (rs750903282, gnomAD 0.002%). This variant has not been reported in the literature in individuals affected with CD81-related conditions. An algorithm developed to predict the effect of missense changes on protein structure and function (PolyPhen-2) suggests that this variant is likely to be tolerated. In summary, the available evidence is currently insufficient to determine the role of this variant in disease. Therefore, it has been classified as a Variant of Uncertain Significance.

NM_004356.4(CD81):c.152A>G (p.Asp51Gly)

Gene: CD81 (CD81 molecule; plus strand). Cytogenetic location: 11p15.5.
Variant type: single nucleotide variant.
Coding change: c.152A>G on transcript NM_004356.4 (MANE Select); coding-DNA position 152, A replaced by G.
Protein change: p.Asp51Gly; replaces aspartic acid 51 with glycine.
Molecular consequence: missense variant. On other transcripts: 5 prime UTR variant (1).
Genome position (GRCh38, 1-based): chr11:2,390,497, A>G. VCF-style: chr11-2390497-A-G. GRCh37 (hg19) VCF-style: chr11-2411727-A-G.
Other names: c.-62A>G (NM_001297649.2, NM_001425129.1, NM_001425131.1 and 3 more transcripts); c.-58A>G (NM_001425130.1); c.152A>G, p.Asp51Gly (NM_001425135.1, NM_001425137.1); short protein forms D51G.
Identifiers: ClinVar variation 2972488 (VCV002972488.3), dbSNP rs750903282, ClinGen allele CA5819846.